The following is an entry in ClinVar:

ClinVar aggregate classification (germline): Benign. Review status: criteria provided, multiple submitters, no conflicts (2 of 4 stars). 2 submissions from 2 submitters: Benign (2). Last evaluated 2018-06-14.

Allele frequency attached by ClinVar (database versions not stated): gnomAD 0.26024 and 0.26071; TOPMed 0.27589; 1000 Genomes Project 0.30132; 1000 Genomes Project 30x 0.30262.
gnomAD v4.1: 39,051 of 150,462 alleles (26%); highest among the groups gnomAD compares: East Asian, 44%; 5,651 homozygotes.

Submissions (2):

GeneDx
Classification: Benign. Last evaluated: 2018-06-14. Review status: criteria provided, single submitter. Criteria: GeneDx Variant Classification (06012015). Collection method: clinical testing. Allele origin: germline. Affected: yes.
Comment: This variant is considered likely benign or benign based on one or more of the following criteria: it is a conservative change, it occurs at a poorly conserved position in the protein, it is predicted to be benign by multiple in silico algorithms, and/or has population frequency not consistent with disease.

Breakthrough Genomics
Classification: Benign. Review status: criteria provided, single submitter. Criteria: ACMG Guidelines, 2015. Collection method: not provided. Allele origin: germline. Inheritance: Autosomal recessive inheritance. Affected: yes.

NM_017827.4(SARS2):c.590-197G>C

Gene: SARS2 (seryl-tRNA synthetase 2, mitochondrial; minus strand). Cytogenetic location: 19q13.2.
Variant type: single nucleotide variant.
Coding change: c.590-197G>C on transcript NM_017827.4 (MANE Select); 197 bases into the intron before coding-DNA position 590, G replaced by C.
Molecular consequence: intron variant.
Genome position (GRCh38, 1-based): chr19:38,920,346, C>G on the plus strand (G>C on the coding strand, the complement: SARS2 is on the minus strand). VCF-style: chr19-38920346-C-G. GRCh37 (hg19) VCF-style: chr19-39410986-C-G.
Other names: c.596-197G>C (NM_001145901.2).
Identifiers: ClinVar variation 683694 (VCV000683694.2), dbSNP rs12460327, ClinGen allele CA14642371.